The following is an entry in ClinVar:

ClinVar aggregate classification (germline): Uncertain significance. Review status: criteria provided, single submitter (1 of 4 stars). 2 submissions from 2 submitters: Uncertain significance (1). 1 of the submissions does not count toward it. Last evaluated 2026-04-14.

Conditions:
ABCB4-related disorder. Also called: ABCB4-related disorders; ABCB4-related condition.
Low phospholipid associated cholelithiasis (GBD1). Also called: Gallbladder disease 1; Gallstone cholecystitis. Identifiers: Orphanet 69663, MedGen C2609268, MONDO:0010939, OMIM 600803.
Familial intrahepatic cholestasis. Identifiers: Orphanet 284385, MedGen CN296401, MONDO:0017290.

Allele frequency attached by ClinVar (database versions not stated): gnomAD exomes below 0.00001.
gnomAD v4.1: 1 of 1,614,134 alleles (0.000062%); highest among the groups gnomAD compares: Non-Finnish European, 0.000085%; no homozygotes.

Submissions (2):

Genomenon, Inc
Classification: Uncertain significance for Familial intrahepatic cholestasis; Low phospholipid associated cholelithiasis. Last evaluated: 2026-04-14. Review status: criteria provided, single submitter. Criteria: Genomenon Sequence Variant Interpretation Standards - Updated. Collection method: curation. Allele origin: germline. Affected: no.
Comment: ABCB4 p.Lys1251Gln (c.3751A>C) is a missense variant that changes the amino acid at residue 1251 from Lysine to Glutamine. This variant has been reported in the published literature (PMID:14999697;15758645;15975683). It is absent or not present at a significant frequency in gnomAD. In silico models predict that this variant is not damaging. In conclusion, we classify ABCB4 p.Lys1251Gln (c.3751A>C) as a variant of uncertain significance.

PreventionGenetics, part of Exact Sciences
Classification: Uncertain significance for ABCB4-related condition. Last evaluated: 2024-01-02. Review status: no assertion criteria provided. Collection method: clinical testing. Allele origin: germline. Not counted in ClinVar's aggregate classification.
Comment: The ABCB4 c.3751A>C variant is predicted to result in the amino acid substitution p.Lys1251Gln. To our knowledge, this variant has not been reported in the literature or in a large population database, indicating this variant is rare. At this time, the clinical significance of this variant is uncertain due to the absence of conclusive functional and genetic evidence.

Literature cited by the submitters: PubMed 14999697 (cited by Genomenon, Inc); PubMed 15758645 (cited by Genomenon, Inc); PubMed 15975683 (cited by Genomenon, Inc).

NM_000443.4(ABCB4):c.3751A>C (p.Lys1251Gln)

Gene: ABCB4 (ATP binding cassette subfamily B member 4; minus strand). Cytogenetic location: 7q21.12.
Variant type: single nucleotide variant.
Coding change: c.3751A>C on transcript NM_000443.4 (MANE Select); coding-DNA position 3751, A replaced by C.
Protein change: p.Lys1251Gln; replaces lysine 1251 with glutamine.
Molecular consequence: missense variant.
Genome position (GRCh38, 1-based): chr7:87,402,185, T>G on the plus strand (A>C on the coding strand, the complement: ABCB4 is on the minus strand). VCF-style: chr7-87402185-T-G. GRCh37 (hg19) VCF-style: chr7-87031501-T-G.
Other names: c.3772A>C, p.Lys1258Gln (NM_018849.3); c.3610A>C, p.Lys1204Gln (NM_018850.3); short protein forms K1204Q, K1251Q, K1258Q.
Identifiers: ClinVar variation 3046330 (VCV003046330.3), dbSNP rs1807831740, ClinGen allele CA368056740.
Genomic context (GRCh38, chr7:87,402,185, plus strand): 5'-TGACCATTGAAAAATAGATGCCTTTCTGTGCCAGCAGCTGCTGATGCGTGCCATGCTCCT[T>G]GACTCTCCCATTCTGAAACACCACTATTAAGTCTGCATTCTGGATGGTGGACAGGCGGTG-3'
Protein context (NP_000434.1, residues 1241-1261): LIVVFQNGRV[Lys1251Gln]EHGTHQQLLA